The following is an entry in ClinVar:

ClinVar aggregate classification (germline): Uncertain significance (1 of 4 stars; one submission).

Conditions:
Inborn genetic diseases. Identifiers: MedGen C0950123, MeSH D030342.

Allele frequency attached by ClinVar (database versions not stated): gnomAD exomes below 0.00001; ExAC 0.00001; gnomAD 0.00001; TOPMed 0.00001.
gnomAD v4.1: 2 of 1,608,460 alleles (0.00012%); highest among the groups gnomAD compares: African/African-American, 0.0027%; no homozygotes.

Submission:

Ambry Genetics
Classification: Uncertain significance for Inborn genetic diseases. Last evaluated: 2021-03-08. Review status: criteria provided, single submitter. Criteria: Ambry Variant Classification Scheme 2023. Collection method: clinical testing. Allele origin: germline.
Comment: The c.536-4A>G intronic alteration consists of a A to G substitution 4 nucleotides before coding exon 8 in the KCTD3 gene. In silico splice site analysis predicts that this alteration may weaken the native splice acceptor site and will result in the creation or strengthening of a novel splice acceptor site. Based on insufficient or conflicting evidence, the clinical significance of this alteration remains unclear.

NM_016121.5(KCTD3):c.536-4A>G

Gene: KCTD3 (potassium channel tetramerization domain containing 3; plus strand). Cytogenetic location: 1q41.
Variant type: single nucleotide variant.
Coding change: c.536-4A>G on transcript NM_016121.5 (MANE Select); 4 bases into the intron before coding-DNA position 536, A replaced by G.
Molecular consequence: intron variant.
Genome position (GRCh38, 1-based): chr1:215,579,905, A>G. VCF-style: chr1-215579905-A-G. GRCh37 (hg19) VCF-style: chr1-215753248-A-G.
Other names: c.230-4A>G (NM_001319295.2); c.536-4A>G (NM_001319294.2).
Identifiers: ClinVar variation 2229433 (VCV002229433.2), dbSNP rs778851331, ClinGen allele CA1392174.
Genomic context (GRCh38, chr1:215,579,905, plus strand): 5'-GGTGGCTGTAATTTGCCAACCCCCGGTTTAGAATGTAAAATATTTCTTTTTCCAAAATCA[A>G]CAGGATTTCCTGTGGATCCACGAAAGGTGCTAATAGTAGCTGGCCATCACAACTGGATTG-3'